The following is an entry in ClinVar:

ClinVar aggregate classification (germline): Pathogenic. Review status: reviewed by expert panel (3 of 4 stars). 2 submissions from 2 submitters: Pathogenic (1). 1 of the submissions does not count toward it. Last evaluated 2016-10-18.

Conditions:
Breast-ovarian cancer, familial, susceptibility to, 2 (BROVCA2). Also called: BRCA2 Hereditary Breast and Ovarian Cancer. Identifiers: Orphanet 145, MedGen C2675520, MONDO:0012933, OMIM 612555. Disease mechanism: loss of function.

Submissions (2):

Evidence-based Network for the Interpretation of Germline Mutant Alleles (ENIGMA)
Classification: Pathogenic for Breast-ovarian cancer, familial, susceptibility to, 2. Last evaluated: 2016-10-18. Review status: reviewed by expert panel. Criteria: ENIGMA BRCA1/2 Classification Criteria (2015). Collection method: curation. Allele origin: germline.
Comment: Variant allele predicted to encode a truncated non-functional protein.

Consortium of Investigators of Modifiers of BRCA1/2 (CIMBA), c/o University of Cambridge
Classification: Pathogenic for Breast-ovarian cancer, familial, susceptibility to, 2. Last evaluated: 2015-10-02. Review status: criteria provided, single submitter. Criteria: CIMBA Mutation Classification guidelines May 2016. Collection method: clinical testing. Allele origin: germline. Not counted in ClinVar's aggregate classification.

NM_000059.4(BRCA2):c.9453del (p.Glu3152fs)

Gene: BRCA2 (BRCA2 DNA repair associated; plus strand). Cytogenetic location: 13q13.1.
Variant type: Deletion.
Coding change: c.9453del on transcript NM_000059.4 (MANE Select); coding-DNA position 9453, one base deleted (A; older notation c.9453delA).
Protein change: p.Glu3152fs; shifts the reading frame from glutamic acid 3152.
Molecular consequence: frameshift variant.
Genome position (GRCh38, 1-based): chr13:32,394,885, A deleted; the last of 4 consecutive A bases (chr13:32,394,882-32,394,885); deleting any one gives the same sequence. VCF-style (leftmost placement, unchanged base first): chr13-32394881-CA-C. GRCh37 (hg19) VCF-style: chr13-32969018-CA-C.
Other names: 9681delA; short protein forms E3152fs.
Identifiers: ClinVar variation 267163 (VCV000267163.5), dbSNP rs886040842, ClinGen allele CA10589569.